The following is an entry in ClinVar:

ClinVar aggregate classification (germline): Likely benign. Review status: criteria provided, multiple submitters, no conflicts (2 of 4 stars). 3 submissions from 3 submitters: Likely benign (3). Last evaluated 2024-03-18.

Conditions:
Emery-Dreifuss muscular dystrophy 4, autosomal dominant (EDMD4). Also called: EMERY-DREIFUSS MUSCULAR DYSTROPHY 4 WITH VARIABLE FEATURES. Identifiers: Orphanet 261, MedGen C2751807, MONDO:0013071, OMIM 612998.
Autosomal recessive ataxia, Beauce type. Also called: SYNE1-Related Autosomal Recessive Cerebellar Ataxia; Spinocerebellar ataxia, autosomal recessive 8; ATAXIA, RECESSIVE, OF BEAUCE; SYNE1 Deficiency. Identifiers: Orphanet 88644, MedGen C1853116, MONDO:0012549, OMIM 610743.

Allele frequency attached by ClinVar (database versions not stated): ExAC 0.00002; gnomAD exomes 0.00002; TOPMed 0.00002; gnomAD 0.00003 and 0.00004.
gnomAD v4.1: 85 of 1,613,580 alleles (0.0053%); highest among the groups gnomAD compares: East Asian, 0.0089%; no homozygotes.

Submissions (3):

Labcorp Genetics (formerly Invitae), Labcorp
Classification: Likely benign for Emery-Dreifuss muscular dystrophy 4, autosomal dominant; Autosomal recessive ataxia, Beauce type. Last evaluated: 2024-03-18. Review status: criteria provided, single submitter. Criteria: Invitae Variant Classification Sherloc (09022015). Collection method: clinical testing. Allele origin: germline.

Women's Health and Genetics/Laboratory Corporation of America, LabCorp
Classification: Likely benign. Last evaluated: 2024-03-08. Review status: criteria provided, single submitter. Criteria: LabCorp Variant Classification Summary - May 2015. Collection method: clinical testing. Allele origin: germline.

CeGaT Center for Human Genetics Tuebingen
Classification: Likely benign. Last evaluated: 2022-12-01. Review status: criteria provided, single submitter. Criteria: CeGaT Center For Human Genetics Tuebingen Variant Classification Criteria Version 2. Collection method: clinical testing. Allele origin: germline. Affected: yes. Observed: 2 variant alleles.
Comment: SYNE1: BP4, BP7

NM_182961.4(SYNE1):c.24780G>A (p.Ser8260=)

Gene: SYNE1 (spectrin repeat containing nuclear envelope protein 1; minus strand). Cytogenetic location: 6q25.2.
Variant type: single nucleotide variant.
Coding change: c.24780G>A on transcript NM_182961.4 (MANE Select); coding-DNA position 24780, G replaced by A.
Protein change: p.Ser8260=; no amino-acid change (serine 8260 retained).
Molecular consequence: synonymous variant.
Genome position (GRCh38, 1-based): chr6:152,148,241, C>T on the plus strand (G>A on the coding strand, the complement: SYNE1 is on the minus strand). VCF-style: chr6-152148241-C-T. GRCh37 (hg19) VCF-style: chr6-152469376-C-T.
Other names: c.1386G>A, p.Ser462= (NM_001347701.2); c.1245G>A, p.Ser415= (NM_001347702.2); c.24567G>A, p.Ser8189= (NM_033071.5).
Identifiers: ClinVar variation 707505 (VCV000707505.36), dbSNP rs766320378, ClinGen allele CA4053076.